The following is an entry in ClinVar:

ClinVar aggregate classification (germline): Uncertain significance. Review status: criteria provided, multiple submitters, no conflicts (2 of 4 stars). 3 submissions from 3 submitters: Uncertain significance (2). 1 of the submissions does not count toward it. Last evaluated 2024-10-24.

Conditions:
Senior-Loken syndrome 7 (SLSN7). Identifiers: Orphanet 3156, MedGen C3150877, MONDO:0013326, OMIM 613615.
Bardet-Biedl syndrome 16 (BBS16). Identifiers: Orphanet 110, MedGen C3889474, MONDO:0014444, OMIM 615993.
SDCCAG8-related disorder. Also called: SDCCAG8-Related Disorders; SDCCAG8-related condition.

Allele frequency attached by ClinVar (database versions not stated): gnomAD 0.00001.
gnomAD v4.1: 3 of 1,613,918 alleles (0.00019%); highest among the groups gnomAD compares: Admixed American, 0.005%; no homozygotes.

Submissions (3):

Labcorp Genetics (formerly Invitae), Labcorp
Classification: Uncertain significance for Bardet-Biedl syndrome 16; Senior-Loken syndrome 7. Last evaluated: 2024-10-24. Review status: criteria provided, single submitter. Criteria: Invitae Variant Classification Sherloc (09022015). Collection method: clinical testing. Allele origin: germline.
Comment: This sequence change replaces arginine, which is basic and polar, with threonine, which is neutral and polar, at codon 476 of the SDCCAG8 protein (p.Arg476Thr). This variant is not present in population databases (gnomAD no frequency). This variant has not been reported in the literature in individuals affected with SDCCAG8-related conditions. ClinVar contains an entry for this variant (Variation ID: 1041448). Invitae Evidence Modeling of protein sequence and biophysical properties (such as structural, functional, and spatial information, amino acid conservation, physicochemical variation, residue mobility, and thermodynamic stability) indicates that this missense variant is not expected to disrupt SDCCAG8 protein function with a negative predictive value of 80%. In summary, the available evidence is currently insufficient to determine the role of this variant in disease. Therefore, it has been classified as a Variant of Uncertain Significance.

Fulgent Genetics
Classification: Uncertain significance for Senior-Loken syndrome 7; Bardet-Biedl syndrome 16. Last evaluated: 2024-04-12. Review status: criteria provided, single submitter. Criteria: ACMG Guidelines, 2015. Collection method: clinical testing. Allele origin: germline.

PreventionGenetics, part of Exact Sciences
Classification: Uncertain significance for SDCCAG8-related condition. Last evaluated: 2024-06-05. Review status: no assertion criteria provided. Collection method: clinical testing. Allele origin: germline. Not counted in ClinVar's aggregate classification.
Comment: The SDCCAG8 c.1427G>C variant is predicted to result in the amino acid substitution p.Arg476Thr. To our knowledge, this variant has not been reported in the literature or in a large population database, indicating this variant is rare. At this time, the clinical significance of this variant is uncertain due to the absence of conclusive functional and genetic evidence.

NM_006642.5(SDCCAG8):c.1427G>C (p.Arg476Thr)

Gene: SDCCAG8 (SHH signaling and ciliogenesis regulator SDCCAG8; plus strand). Cytogenetic location: 1q43.
Variant type: single nucleotide variant.
Coding change: c.1427G>C on transcript NM_006642.5 (MANE Select); coding-DNA position 1427, G replaced by C.
Protein change: p.Arg476Thr; replaces arginine 476 with threonine.
Molecular consequence: missense variant.
Genome position (GRCh38, 1-based): chr1:243,344,285, G>C. VCF-style: chr1-243344285-G-C. GRCh37 (hg19) VCF-style: chr1-243507587-G-C.
Other names: c.1427G>C (NM_006642.3); c.524G>C, p.Arg175Thr (NM_001350246.2, NM_001350247.2, NM_001350251.2); c.1523G>C, p.Arg508Thr (NM_001350248.2); c.1133G>C, p.Arg378Thr (NM_001350249.2); short protein forms R175T, R378T, R508T, R476T.
Identifiers: ClinVar variation 1041448 (VCV001041448.10), dbSNP rs761873846, ClinGen allele CA345475957.